The following is an entry in ClinVar:

NM_001077365.2(POMT1):c.1302C>T (p.Asp434=)

Gene: POMT1 (protein O-mannosyltransferase 1; plus strand). Cytogenetic location: 9q34.13.
Variant type: single nucleotide variant.
Coding change: c.1302C>T on transcript NM_001077365.2 (MANE Select); coding-DNA position 1302, C replaced by T.
Protein change: p.Asp434=; no amino-acid change (aspartic acid 434 retained).
Molecular consequence: synonymous variant. On other transcripts: non-coding transcript variant (10).
Genome position (GRCh38, 1-based): chr9:131,518,474, C>T. VCF-style: chr9-131518474-C-T. GRCh37 (hg19) VCF-style: chr9-134393861-C-T.
Other names: c.1140C>T, p.Asp380= (NM_001077366.2, NM_001353194.2); c.1302C>T, p.Asp434= (NM_001136113.2, NM_001374690.1); c.951C>T, p.Asp317= (NM_001136114.2, NM_001353195.2, NM_001374691.1 and 2 more transcripts); c.1368C>T, p.Asp456= (NM_001353193.2, NM_007171.4); c.1212C>T, p.Asp404= (NM_001353196.2); c.1206C>T, p.Asp402= (NM_001353197.2, NM_001353198.2); c.1017C>T, p.Asp339= (NM_001353199.2); c.846C>T, p.Asp282= (NM_001353200.2); and 2 more.
Identifiers: ClinVar variation 512608 (VCV000512608.10), dbSNP rs568246978, ClinGen allele CA5293653.
Genomic context (GRCh38, chr9:131,518,474, plus strand): 5'-ATGAAATAATCCTTGAGATGTCTTTTTGCAGGAAATTGTGAACAGAGGATCTGACACAGA[C>T]GTCTGGAAGACCATCCTCTCAGAGGTCCGCTTTGTGCACGTGAACACTTCCGCTGTCTTA-3'
Protein context (NP_001070833.1, residues 424-444): LEIVNRGSDT[Asp434=]VWKTILSEVR

ClinVar aggregate classification (germline): Likely benign. Review status: criteria provided, multiple submitters, no conflicts (2 of 4 stars). 2 submissions from 2 submitters: Likely benign (2). Last evaluated 2026-01-14.

Conditions:
Autosomal recessive limb-girdle muscular dystrophy type 2K. Also called: MUSCULAR DYSTROPHY-DYSTROGLYCANOPATHY (LIMB-GIRDLE), TYPE C, 1; MUSCULAR DYSTROPHY, LIMB-GIRDLE, TYPE 2K. Identifiers: Orphanet 86812, MedGen C1836373, MONDO:0012248, OMIM 609308.
Muscular dystrophy-dystroglycanopathy (congenital with impaired intellectual development), type B, 1. Also called: Muscular dystrophy-dystroglycanopathy (congenital with intellectual disability), type B1; MUSCULAR DYSTROPHY, CONGENITAL, POMT1-RELATED. Identifiers: MedGen C5436962, MONDO:0013159, OMIM 613155.
Walker-Warburg congenital muscular dystrophy. Also called: Muscular dystrophy-dystroglycanopathy, type A; Walker-Warburg syndrome. Identifiers: Orphanet 899, MedGen C0265221, MONDO:0000171.

Allele frequency attached by ClinVar (database versions not stated): ExAC 0.00002; gnomAD exomes 0.00003; gnomAD 0.00002 and 0.00003; 1000 Genomes Project 0.00040; TOPMed below 0.00001; 1000 Genomes Project 30x 0.00031.
gnomAD v4.1: 49 of 1,613,786 alleles (0.003%); highest among the groups gnomAD compares: South Asian, 0.042%; 2 homozygotes.

Submissions (2):

Labcorp Genetics (formerly Invitae), Labcorp
Classification: Likely benign for Muscular dystrophy-dystroglycanopathy (congenital with impaired intellectual development), type B, 1; Walker-Warburg congenital muscular dystrophy; Autosomal recessive limb-girdle muscular dystrophy type 2K. Last evaluated: 2026-01-14. Review status: criteria provided, single submitter. Criteria: Invitae Variant Classification Sherloc (09022015). Collection method: clinical testing. Allele origin: germline.

GeneDx
Classification: Likely benign. Last evaluated: 2017-10-12. Review status: criteria provided, single submitter. Criteria: GeneDx Variant Classification (06012015). Collection method: clinical testing. Allele origin: germline. Affected: yes.
Comment: This variant is considered likely benign or benign based on one or more of the following criteria: it is a conservative change, it occurs at a poorly conserved position in the protein, it is predicted to be benign by multiple in silico algorithms, and/or has population frequency not consistent with disease.